The following is an entry in ClinVar:

NM_000051.4(ATM):c.2853A>G (p.Leu951=)

Gene: ATM (ATM serine/threonine kinase; plus strand). Cytogenetic location: 11q22.3.
Variant type: single nucleotide variant.
Coding change: c.2853A>G on transcript NM_000051.4 (MANE Select); coding-DNA position 2853, A replaced by G.
Protein change: p.Leu951=; no amino-acid change (leucine 951 retained).
Molecular consequence: synonymous variant.
Genome position (GRCh38, 1-based): chr11:108,271,078, A>G. VCF-style: chr11-108271078-A-G. GRCh37 (hg19) VCF-style: chr11-108141805-A-G.
Other names: c.2853A>G, p.Leu951= (NM_001351834.2).
Identifiers: ClinVar variation 3253809 (VCV003253809.1), dbSNP rs2135547555.
Genomic context (GRCh38, chr11:108,271,078, plus strand): 5'-AATGATTTGTGGATAAACCTGATTTTTTTCCCTCCTACCATCTTAGTATCTAATGCTTTT[A>G]AAGGAGCTTCCTGGAGAAGAGTACCCCTTGCCAATGGAAGATGTTCTTGAACTTCTGAAA-3'
Protein context (NP_000042.3, residues 941-961): SLHLHMYLML[Leu951=]KELPGEEYPL

ClinVar aggregate classification (germline): Benign (1 of 4 stars; one submission).

Conditions:
Familial cancer of breast. Also called: BREAST CANCER, FAMILIAL; Hereditary breast cancer; hereditary breast carcinoma. Identifiers: Orphanet 227535, MedGen C0346153, MONDO:0016419, OMIM 114480. Disease mechanism: loss of function.

Submission:

Myriad Genetics, Inc.
Classification: Benign for Familial cancer of breast. Last evaluated: 2024-05-10. Review status: criteria provided, single submitter. Criteria: Myriad Autosomal Dominant, Autosomal Recessive and X-Linked Classification Criteria (2023). Collection method: clinical testing. Allele origin: unknown.
Comment: This variant is considered benign. This variant is a silent/synonymous amino acid change and it is not expected to impact splicing.